The following is an entry in ClinVar:

ClinVar aggregate classification (germline): Uncertain significance. Review status: criteria provided, multiple submitters, no conflicts (2 of 4 stars). 2 submissions from 2 submitters: Uncertain significance (2). Last evaluated 2025-08-27.

Conditions:
Inborn genetic diseases. Identifiers: MedGen C0950123, MeSH D030342.

gnomAD v4.1: 21 of 1,613,770 alleles (0.0013%); highest among the groups gnomAD compares: African/African-American, 0.021%; no homozygotes.

Submissions (2):

Ambry Genetics
Classification: Uncertain significance for Inborn genetic diseases. Last evaluated: 2025-08-27. Review status: criteria provided, single submitter. Criteria: Ambry Variant Classification Scheme 2023. Collection method: clinical testing. Allele origin: germline.

GeneDx
Classification: Uncertain significance. Last evaluated: 2024-03-18. Review status: criteria provided, single submitter. Criteria: GeneDx Variant Classification Process June 2021. Collection method: clinical testing. Allele origin: germline. Affected: yes.
Comment: Has not been previously published as pathogenic or benign to our knowledge; Not observed at significant frequency in large population cohorts (gnomAD); In silico analysis supports that this missense variant does not alter protein structure/function

NM_001953.5(TYMP):c.494A>G (p.Asn165Ser)

Gene: TYMP (thymidine phosphorylase; minus strand). Cytogenetic location: 22q13.33.
Variant type: single nucleotide variant.
Coding change: c.494A>G on transcript NM_001953.5 (MANE Select); coding-DNA position 494, A replaced by G.
Protein change: p.Asn165Ser; replaces asparagine 165 with serine.
Molecular consequence: missense variant.
Genome position (GRCh38, 1-based): chr22:50,528,534, T>C on the plus strand (A>G on the coding strand, the complement: TYMP is on the minus strand). VCF-style: chr22-50528534-T-C. GRCh37 (hg19) VCF-style: chr22-50966963-T-C.
Other names: c.494A>G, p.Asn165Ser (NM_001113755.3, NM_001113756.3, NM_001257988.1 and 1 more transcripts); short protein forms N165S.
Identifiers: ClinVar variation 3343924 (VCV003343924.2).